The following is an entry in ClinVar:

ClinVar aggregate classification (germline): Uncertain significance (1 of 4 stars; one submission).

Submission:

GeneDx
Classification: Uncertain significance. Last evaluated: 2025-01-12. Review status: criteria provided, single submitter. Criteria: GeneDx Variant Classification Process June 2021. Collection method: clinical testing. Allele origin: germline. Affected: yes.
Comment: Not observed at significant frequency in large population cohorts (gnomAD); In silico analysis supports that this missense variant has a deleterious effect on protein structure/function; Has not been previously published as pathogenic or benign to our knowledge

NM_003076.5(SMARCD1):c.937C>T (p.Pro313Ser)

Gene: SMARCD1 (SWI/SNF related BAF chromatin remodeling complex subunit D1; plus strand). Cytogenetic location: 12q13.12.
Variant type: single nucleotide variant.
Coding change: c.937C>T on transcript NM_003076.5 (MANE Select); coding-DNA position 937, C replaced by T.
Protein change: p.Pro313Ser; replaces proline 313 with serine.
Molecular consequence: missense variant.
Genome position (GRCh38, 1-based): chr12:50,090,304, C>T. VCF-style: chr12-50090304-C-T. GRCh37 (hg19) VCF-style: chr12-50484087-C-T.
Other names: c.937C>T, p.Pro313Ser (NM_139071.3); short protein forms P313S.
Identifiers: ClinVar variation 4057059 (VCV004057059.1).